The following is an entry in ClinVar:

NM_003126.4(SPTA1):c.4159C>T (p.Arg1387Cys)

Gene: SPTA1 (spectrin alpha, erythrocytic 1; minus strand). Cytogenetic location: 1q23.1.
Variant type: single nucleotide variant.
Coding change: c.4159C>T on transcript NM_003126.4 (MANE Select); coding-DNA position 4159, C replaced by T.
Protein change: p.Arg1387Cys; replaces arginine 1387 with cysteine.
Molecular consequence: missense variant.
Genome position (GRCh38, 1-based): chr1:158,645,223, G>A on the plus strand (C>T on the coding strand, the complement: SPTA1 is on the minus strand). VCF-style: chr1-158645223-G-A. GRCh37 (hg19) VCF-style: chr1-158615013-G-A.
Other names: short protein forms R1387C.
Identifiers: ClinVar variation 1310271 (VCV001310271.21), dbSNP rs372067263, ClinGen allele CA1182817.
Genomic context (GRCh38, chr1:158,645,223, plus strand): 5'-TTAACAATTGGGAAATTTGCTGTACCTGCAACTCCAGGCACTGGTCTAGGATCTTCTTGC[G>A]TTTTTCCCAAGCCTTCTCCAAATCATCTCTCTCTAGCTTGACAGCTTGAAGCTTTTTTTC-3'
Protein context (NP_003117.2, residues 1377-1397): RDDLEKAWEK[Arg1387Cys]KKILDQCLEL

ClinVar aggregate classification (germline): Uncertain significance. Review status: criteria provided, multiple submitters, no conflicts (2 of 4 stars). 5 submissions from 5 submitters: Uncertain significance (5). Last evaluated 2024-11-22.

Allele frequency attached by ClinVar (database versions not stated): ExAC 0.00007; gnomAD exomes 0.00007 and 0.00017; TOPMed 0.00010; gnomAD 0.00011; ESP Exome Variant Server 0.00017.
gnomAD v4.1: 252 of 1,613,738 alleles (0.016%); highest among the groups gnomAD compares: Middle Eastern, 0.41%; 2 homozygotes.

Submissions (5):

Blueprint Genetics
Classification: Uncertain significance. Last evaluated: 2024-11-22. Review status: criteria provided, single submitter. Criteria: ACMG Guidelines, 2015. Collection method: clinical testing. Allele origin: germline.

CeGaT Center for Human Genetics Tuebingen
Classification: Uncertain significance. Last evaluated: 2024-11-01. Review status: criteria provided, single submitter. Criteria: CeGaT Center For Human Genetics Tuebingen Variant Classification Criteria Version 2. Collection method: clinical testing. Allele origin: germline. Affected: yes. Observed: 1 variant allele.
Comment: SPTA1: PM2

Revvity Omics, Revvity
Classification: Uncertain significance. Last evaluated: 2023-03-31. Review status: criteria provided, single submitter. Criteria: ACMG Guidelines, 2015. Collection method: clinical testing. Allele origin: germline.

Ambry Genetics
Classification: Uncertain significance. Last evaluated: 2021-10-26. Review status: criteria provided, single submitter. Criteria: Ambry Variant Classification Scheme 2023. Collection method: clinical testing. Allele origin: germline.

GeneDx
Classification: Uncertain significance. Last evaluated: 2020-06-15. Review status: criteria provided, single submitter. Criteria: GeneDx Variant Classification Process June 2021. Collection method: clinical testing. Allele origin: germline. Affected: yes.
Comment: In silico analysis, which includes protein predictors and evolutionary conservation, supports a deleterious effect; Has not been previously published as pathogenic or benign to our knowledge